The following is an entry in ClinVar:

ClinVar aggregate classification (germline): Likely pathogenic (0 of 4 stars; one submission).

Conditions:
KAT6A-related disorder. Also called: KAT6A-related condition.

Submission:

PreventionGenetics, part of Exact Sciences
Classification: Likely pathogenic for KAT6A-related condition. Last evaluated: 2024-03-12. Review status: no assertion criteria provided. Collection method: clinical testing. Allele origin: germline.
Comment: The KAT6A c.1816dupC variant is predicted to result in a frameshift and premature protein termination (p.Leu606Profs*17). To our knowledge, this variant has not been reported in the literature or in a large population database, indicating this variant is rare. Frameshift variants in KAT6A are expected to be pathogenic. This variant is interpreted as likely pathogenic.

NM_006766.5(KAT6A):c.1816dup (p.Leu606fs)

Gene: KAT6A (lysine acetyltransferase 6A; minus strand). Cytogenetic location: 8p11.21.
Variant type: Duplication.
Coding change: c.1816dup on transcript NM_006766.5 (MANE Select); coding-DNA position 1816, one base duplicated (C; older notation c.1816dupC).
Protein change: p.Leu606fs; shifts the reading frame from leucine 606.
Molecular consequence: frameshift variant.
Genome position (GRCh38, 1-based): chr8:41,947,837, G duplicated on the plus strand (C on the coding strand, the reverse complement: KAT6A is on the minus strand); the first of 3 consecutive G bases (chr8:41,947,837-41,947,839); duplicating any one gives the same sequence. VCF-style (leftmost placement, unchanged base first): chr8-41947836-A-AG. GRCh37 (hg19) VCF-style: chr8-41805354-A-AG.
Other names: c.1816dup, p.Leu606fs (NM_001305878.2); short protein forms L606fs.
Identifiers: ClinVar variation 3348534 (VCV003348534.1).
Genomic context (GRCh38, chr8:41,947,836, plus strand): 5'-CAGCCCTTGACATCATTCTGTGTTAGTACATAAAAAAGAAATGGCTCCACATCGTAATAG[A>AG]GGGTTTTGTGGTCAAGAAACAACTTTGCCAAAAGACACAGGTTTTGACAATAAATGGTAC-3'